The following is an entry in ClinVar:

ClinVar aggregate classification (germline): not provided (0 of 4 stars; one submission).

Submission:

ITMI
No classification provided. Condition: AllHighlyPenetrant. Last evaluated: 2013-09-19. Review status: no classification provided. Collection method: reference population. Allele origin: germline.
Comment: Please see associated publication for description of ethnicities

Literature cited by the submitters: PubMed 24728327.

NM_002253.4(KDR):c.2674A>G (p.Ile892Val)

Gene: KDR (kinase insert domain receptor; minus strand). Cytogenetic location: 4q12.
Variant type: single nucleotide variant.
Coding change: c.2674A>G on transcript NM_002253.4 (MANE Select); coding-DNA position 2674, A replaced by G.
Protein change: p.Ile892Val; replaces isoleucine 892 with valine.
Molecular consequence: missense variant.
Genome position (GRCh38, 1-based): chr4:55,096,283, T>C on the plus strand (A>G on the coding strand, the complement: KDR is on the minus strand). VCF-style: chr4-55096283-T-C. GRCh37 (hg19) VCF-style: chr4-55962450-T-C.
Other names: short protein forms I892V.
Identifiers: ClinVar variation 134608 (VCV000134608.1), dbSNP rs587778426, ClinGen allele CA160321.